The following is an entry in ClinVar:

ClinVar aggregate classification (germline): Likely benign (0 of 4 stars; one submission).

Conditions:
PLXNA1-related disorder. Also called: PLXNA1-related condition.

Allele frequency attached by ClinVar (database versions not stated): gnomAD 0.00001; ExAC 0.00003; TOPMed 0.00003.
gnomAD v4.1: 40 of 1,613,122 alleles (0.0025%); highest among the groups gnomAD compares: Admixed American, 0.0067%; 1 homozygote.

Submission:

PreventionGenetics, part of Exact Sciences
Classification: Likely benign for PLXNA1-related condition. Last evaluated: 2023-01-27. Review status: no assertion criteria provided. Collection method: clinical testing. Allele origin: germline.
Comment: This variant is classified as likely benign based on ACMG/AMP sequence variant interpretation guidelines (Richards et al. 2015 PMID: 25741868, with internal and published modifications).

NM_032242.4(PLXNA1):c.1005C>T (p.Asp335=)

Gene: PLXNA1 (plexin A1; plus strand). Cytogenetic location: 3q21.3.
Variant type: single nucleotide variant.
Coding change: c.1005C>T on transcript NM_032242.4 (MANE Select); coding-DNA position 1005, C replaced by T.
Protein change: p.Asp335=; no amino-acid change (aspartic acid 335 retained).
Molecular consequence: synonymous variant.
Genome position (GRCh38, 1-based): chr3:126,989,598, C>T. VCF-style: chr3-126989598-C-T. GRCh37 (hg19) VCF-style: chr3-126708441-C-T.
Identifiers: ClinVar variation 3030311 (VCV003030311.2), dbSNP rs765878123, ClinGen allele CA2593101.